The following is an entry in ClinVar:

NM_003612.5(SEMA7A):c.1239C>T (p.Val413=)

Gene: SEMA7A (semaphorin 7A (JohnMiltonHagen blood group); minus strand). Cytogenetic location: 15q24.1.
Variant type: single nucleotide variant.
Coding change: c.1239C>T on transcript NM_003612.5 (MANE Select); coding-DNA position 1239, C replaced by T.
Protein change: p.Val413=; no amino-acid change (valine 413 retained).
Molecular consequence: synonymous variant.
Genome position (GRCh38, 1-based): chr15:74,414,602, G>A on the plus strand (C>T on the coding strand, the complement: SEMA7A is on the minus strand). VCF-style: chr15-74414602-G-A. GRCh37 (hg19) VCF-style: chr15-74706943-G-A.
Other names: c.1197C>T, p.Val399= (NM_001146029.3); c.744C>T, p.Val248= (NM_001146030.3).
Identifiers: ClinVar variation 3059177 (VCV003059177.2), dbSNP rs1046146, ClinGen allele CA7656985.

ClinVar aggregate classification (germline): Benign (0 of 4 stars; one submission).

Conditions:
SEMA7A-related disorder. Also called: SEMA7A-related condition.

Allele frequency attached by ClinVar (database versions not stated): gnomAD exomes 0.06367; ExAC 0.09116; gnomAD 0.13593; ESP Exome Variant Server 0.13938; TOPMed 0.14042; 1000 Genomes Project 0.18411; 1000 Genomes Project 30x 0.18629.
gnomAD v4.1: 114,441 of 1,614,038 alleles (7.1%); highest among the groups gnomAD compares: African/African-American, 33%; 7,675 homozygotes.

Submission:

PreventionGenetics, part of Exact Sciences
Classification: Benign for SEMA7A-related condition. Last evaluated: 2019-10-24. Review status: no assertion criteria provided. Collection method: clinical testing. Allele origin: germline.
Comment: This variant is classified as benign based on ACMG/AMP sequence variant interpretation guidelines (Richards et al. 2015 PMID: 25741868, with internal and published modifications).